The following is an entry in ClinVar:

ClinVar aggregate classification (germline): Uncertain significance (1 of 4 stars; one submission).

Conditions:
Fetal akinesia deformation sequence 1 (FADS1). Also called: Fetal akinesia sequence; Pena-Shokeir syndrome type I. Identifiers: Orphanet 994, MedGen C1276035, MONDO:0100101, OMIM 208150, HP:0001989.
Congenital myasthenic syndrome 10. Also called: Myasthenia, limb-girdle, familial. Identifiers: Orphanet 590, MedGen C1850792, MONDO:0009690, OMIM 254300.

Allele frequency attached by ClinVar (database versions not stated): TOPMed 0.00002; gnomAD 0.00006.
gnomAD v4.1: 37 of 1,552,224 alleles (0.0024%); highest among the groups gnomAD compares: East Asian, 0.0072%; no homozygotes.

Submission:

Labcorp Genetics (formerly Invitae), Labcorp
Classification: Uncertain significance for Congenital myasthenic syndrome 10; Fetal akinesia deformation sequence 1. Last evaluated: 2021-08-20. Review status: criteria provided, single submitter. Criteria: Invitae Variant Classification Sherloc (09022015). Collection method: clinical testing. Allele origin: germline.
Comment: This sequence change replaces arginine with glutamine at codon 325 of the DOK7 protein (p.Arg325Gln). The arginine residue is highly conserved and there is a small physicochemical difference between arginine and glutamine. This variant is present in population databases (rs750929473, ExAC 0.01%). This variant has not been reported in the literature in individuals affected with DOK7-related conditions. Algorithms developed to predict the effect of missense changes on protein structure and function (SIFT, PolyPhen-2, Align-GVGD) all suggest that this variant is likely to be disruptive. Algorithms developed to predict the effect of sequence changes on RNA splicing suggest that this variant may create or strengthen a splice site. In summary, the available evidence is currently insufficient to determine the role of this variant in disease. Therefore, it has been classified as a Variant of Uncertain Significance.

NM_173660.5(DOK7):c.974G>A (p.Arg325Gln)

Gene: DOK7 (docking protein 7; plus strand). Cytogenetic location: 4p16.3.
Variant type: single nucleotide variant.
Coding change: c.974G>A on transcript NM_173660.5 (MANE Select); coding-DNA position 974, G replaced by A.
Protein change: p.Arg325Gln; replaces arginine 325 with glutamine.
Molecular consequence: missense variant. On other transcripts: 3 prime UTR variant (1).
Genome position (GRCh38, 1-based): chr4:3,492,960, G>A. VCF-style: chr4-3492960-G-A. GRCh37 (hg19) VCF-style: chr4-3494687-G-A.
Other names: c.*195G>A (NM_001164673.2); c.44G>A, p.Arg15Gln (NM_001256896.2); c.974G>A, p.Arg325Gln (NM_001301071.2); c.542G>A, p.Arg181Gln (NM_001363811.2); short protein forms R325Q, R15Q, R181Q.
Identifiers: ClinVar variation 465694 (VCV000465694.6), dbSNP rs750929473, ClinGen allele CA2829314.